The following is an entry in ClinVar:

NM_001079872.2(CUL4B):c.2076A>G (p.Thr692=)

Gene: CUL4B (cullin 4B; minus strand). Cytogenetic location: Xq24.
Variant type: single nucleotide variant.
Coding change: c.2076A>G on transcript NM_001079872.2 (MANE Select); coding-DNA position 2076, A replaced by G.
Protein change: p.Thr692=; no amino-acid change (threonine 692 retained).
Molecular consequence: synonymous variant.
Genome position (GRCh38, 1-based): chrX:120,535,914, T>C on the plus strand (A>G on the coding strand, the complement: CUL4B is on the minus strand). VCF-style: chrX-120535914-T-C. GRCh37 (hg19) VCF-style: chrX-119669769-T-C.
Other names: c.2091A>G, p.Thr697= (NM_001330624.2); c.1542A>G, p.Thr514= (NM_001369145.1); c.2130A>G, p.Thr710= (NM_003588.4).
Identifiers: ClinVar variation 3353955 (VCV003353955.1).

ClinVar aggregate classification (germline): Likely benign (0 of 4 stars; one submission).

Conditions:
CUL4B-related disorder. Also called: CUL4B-related condition.

gnomAD v4.1: 4 of 1,199,854 alleles (0.00033%); highest among the groups gnomAD compares: Non-Finnish European, 0.00045%; no homozygotes.

Submission:

PreventionGenetics, part of Exact Sciences
Classification: Likely benign for CUL4B-related condition. Last evaluated: 2022-07-21. Review status: no assertion criteria provided. Collection method: clinical testing. Allele origin: germline.
Comment: This variant is classified as likely benign based on ACMG/AMP sequence variant interpretation guidelines (Richards et al. 2015 PMID: 25741868, with internal and published modifications).